The following is an entry in ClinVar:

NM_021939.4(FKBP10):c.613G>A (p.Val205Ile)

Gene: FKBP10 (FKBP prolyl isomerase 10; plus strand). Cytogenetic location: 17q21.2.
Variant type: single nucleotide variant.
Coding change: c.613G>A on transcript NM_021939.4 (MANE Select); coding-DNA position 613, G replaced by A.
Protein change: p.Val205Ile; replaces valine 205 with isoleucine.
Molecular consequence: missense variant.
Genome position (GRCh38, 1-based): chr17:41,818,413, G>A. VCF-style: chr17-41818413-G-A. GRCh37 (hg19) VCF-style: chr17-39974665-G-A.
Other names: short protein forms V205I.
Identifiers: ClinVar variation 2197723 (VCV002197723.6), dbSNP rs202068957, ClinGen allele CA8566313.
Genomic context (GRCh38, chr17:41,818,413, plus strand): 5'-CTCTCCCACCTCCACCTCATTTTCTGCAGCTACAGTAAGGGCGGCACTTATGACACCTAC[G>A]TCGGCTCTGGTTGGCTGATCAAGGGCATGGACCAGGGGCTGCTGGGCATGTGTCCTGGAG-3'
Protein context (NP_068758.3, residues 195-215): YSKGGTYDTY[Val205Ile]GSGWLIKGMD

ClinVar aggregate classification (germline): Uncertain significance. Review status: criteria provided, multiple submitters, no conflicts (2 of 4 stars). 4 submissions from 4 submitters: Uncertain significance (3). 1 of the submissions does not count toward it. Last evaluated 2024-12-03.

Conditions:
Inborn genetic diseases. Identifiers: MedGen C0950123, MeSH D030342.
FKBP10-related disorder. Also called: FKBP10-related condition.

Allele frequency attached by ClinVar (database versions not stated): ESP Exome Variant Server 0.00008; gnomAD 0.00009; TOPMed 0.00011.

Submissions (4):

Ambry Genetics
Classification: Uncertain significance for Inborn genetic diseases. Last evaluated: 2024-12-03. Review status: criteria provided, single submitter. Criteria: Ambry Variant Classification Scheme 2023. Collection method: clinical testing. Allele origin: germline.

GeneDx
Classification: Uncertain significance. Last evaluated: 2024-04-29. Review status: criteria provided, single submitter. Criteria: GeneDx Variant Classification Process June 2021. Collection method: clinical testing. Allele origin: germline. Affected: yes.
Comment: In silico analysis indicates that this missense variant does not alter protein structure/function; Has not been previously published as pathogenic or benign to our knowledge

Labcorp Genetics (formerly Invitae), Labcorp
Classification: Uncertain significance. Last evaluated: 2022-07-30. Review status: criteria provided, single submitter. Criteria: Invitae Variant Classification Sherloc (09022015). Collection method: clinical testing. Allele origin: germline.
Comment: This sequence change replaces valine, which is neutral and non-polar, with isoleucine, which is neutral and non-polar, at codon 205 of the FKBP10 protein (p.Val205Ile). This variant is present in population databases (rs202068957, gnomAD 0.04%). This variant has not been reported in the literature in individuals affected with FKBP10-related conditions. Algorithms developed to predict the effect of missense changes on protein structure and function output the following: SIFT: "Tolerated"; PolyPhen-2: "Benign"; Align-GVGD: "Class C0". The isoleucine amino acid residue is found in multiple mammalian species, which suggests that this missense change does not adversely affect protein function. In summary, the available evidence is currently insufficient to determine the role of this variant in disease. Therefore, it has been classified as a Variant of Uncertain Significance.

PreventionGenetics, part of Exact Sciences
Classification: Uncertain significance for FKBP10-related condition. Last evaluated: 2023-11-10. Review status: no assertion criteria provided. Collection method: clinical testing. Allele origin: germline. Not counted in ClinVar's aggregate classification.
Comment: The FKBP10 c.613G>A variant is predicted to result in the amino acid substitution p.Val205Ile. To our knowledge, this variant has not been reported in the literature. This variant is reported in 0.048% of alleles in individuals of Latino descent in gnomAD. At this time, the clinical significance of this variant is uncertain due to the absence of conclusive functional and genetic evidence.